The following is an entry in ClinVar:

NM_003738.5(PTCH2):c.659dup (p.Leu221fs)

Gene: PTCH2 (patched 2; minus strand). Cytogenetic location: 1p34.1.
Variant type: Duplication.
Coding change: c.659dup on transcript NM_003738.5 (MANE Select); coding-DNA position 659, one base duplicated (A; older notation c.659dupA).
Protein change: p.Leu221fs; shifts the reading frame from leucine 221.
Molecular consequence: frameshift variant.
Genome position (GRCh38, 1-based): chr1:44,831,002, T duplicated on the plus strand (A on the coding strand, the reverse complement: PTCH2 is on the minus strand). VCF-style (leftmost placement, unchanged base first): chr1-44831001-C-CT. GRCh37 (hg19) VCF-style: chr1-45296673-C-CT.
Other names: c.659dup, p.Leu221fs (NM_001166292.2); short protein forms L221fs.
Identifiers: ClinVar variation 2983730 (VCV002983730.3), dbSNP rs1319744147, ClinGen allele CA522809856.

ClinVar aggregate classification (germline): Uncertain significance (1 of 4 stars; one submission).

Conditions:
Gorlin syndrome. Also called: Nevoid Basal Cell Carcinoma Syndrome; Basal cell nevus syndrome. Identifiers: Orphanet 377, MedGen C0004779, MONDO:0007187.

Allele frequency attached by ClinVar (database versions not stated): gnomAD exomes below 0.00001.

Submission:

Labcorp Genetics (formerly Invitae), Labcorp
Classification: Uncertain significance for Gorlin syndrome. Last evaluated: 2023-01-13. Review status: criteria provided, single submitter. Criteria: Invitae Variant Classification Sherloc (09022015). Collection method: clinical testing. Allele origin: germline.
Comment: This sequence change creates a premature translational stop signal (p.Leu221Alafs*12) in the PTCH2 gene. It is expected to result in an absent or disrupted protein product. However, the current clinical and genetic evidence is not sufficient to establish whether loss-of-function variants in PTCH2 cause disease. This variant is present in population databases (no rsID available, gnomAD 0.006%). This variant has not been reported in the literature in individuals affected with PTCH2-related conditions. In summary, the available evidence is currently insufficient to determine the role of this variant in disease. Therefore, it has been classified as a Variant of Uncertain Significance.